The following is an entry in ClinVar:

ClinVar aggregate classification (germline): Benign/Likely benign. Review status: criteria provided, multiple submitters, no conflicts (2 of 4 stars). 10 submissions from 10 submitters: Benign (1); Likely benign (7). 2 of the submissions do not count toward it. Last evaluated 2026-01-16.

Conditions:
Noonan syndrome and Noonan-related syndrome. Identifiers: Orphanet 98733, MedGen C5681679, MONDO:0020297.
Legius syndrome. Identifiers: Orphanet 137605, MedGen C1969623, MONDO:0012669, OMIM 611431. Disease mechanism: loss of function.

Allele frequency attached by ClinVar (database versions not stated): gnomAD 0.00005; TOPMed 0.00005; gnomAD exomes 0.00011 and 0.00013; ExAC 0.00016.
gnomAD v4.1: 175 of 1,610,968 alleles (0.011%); highest among the groups gnomAD compares: Middle Eastern, 0.12%; no homozygotes.

Submissions (10):

Labcorp Genetics (formerly Invitae), Labcorp
Classification: Likely benign for Legius syndrome. Last evaluated: 2026-01-16. Review status: criteria provided, single submitter. Criteria: Invitae Variant Classification Sherloc (09022015). Collection method: clinical testing. Allele origin: germline.

Laboratory of Genetics, Children's Clinical University Hospital Latvia
Classification: Likely benign. Last evaluated: 2025-02-16. Review status: criteria provided, single submitter. Criteria: ACMG Guidelines, 2015. Collection method: clinical testing. Allele origin: germline. Affected: yes.

CeGaT Center for Human Genetics Tuebingen
Classification: Likely benign. Last evaluated: 2024-12-01. Review status: criteria provided, single submitter. Criteria: CeGaT Center For Human Genetics Tuebingen Variant Classification Criteria Version 2. Collection method: clinical testing. Allele origin: germline. Affected: yes. Observed: 2 variant alleles.
Comment: SPRED1: BP4

Blueprint Genetics
Classification: Likely benign. Last evaluated: 2024-11-27. Review status: criteria provided, single submitter. Criteria: ACMG Guidelines, 2015. Collection method: clinical testing. Allele origin: germline.

KCCC/NGS Laboratory, Kuwait Cancer Control Center
Classification: Likely benign for Legius syndrome. Last evaluated: 2023-07-07. Review status: criteria provided, single submitter. Criteria: ACMG Guidelines, 2015. Collection method: clinical testing. Allele origin: germline. Affected: yes.

Women's Health and Genetics/Laboratory Corporation of America, LabCorp
Classification: Benign. Last evaluated: 2022-04-05. Review status: criteria provided, single submitter. Criteria: LabCorp Variant Classification Summary - May 2015. Collection method: clinical testing. Allele origin: germline.

Genome Diagnostics Laboratory, The Hospital for Sick Children
Classification: Likely benign for Noonan syndrome and Noonan-related syndrome. Last evaluated: 2020-01-01. Review status: criteria provided, single submitter. Criteria: ACMG Guidelines, 2015. Collection method: clinical testing. Allele origin: germline.

Breakthrough Genomics
Classification: Likely benign. Review status: criteria provided, single submitter. Criteria: ACMG Guidelines, 2015. Collection method: not provided. Allele origin: germline. Inheritance: Autosomal dominant inheritance. Affected: yes.

Clinical Genetics DNA and cytogenetics Diagnostics Lab, Erasmus MC, Erasmus Medical Center
Classification: Likely benign. Review status: no assertion criteria provided. Collection method: clinical testing. Allele origin: germline. Affected: yes. Study: VKGL Data-share Consensus. Not counted in ClinVar's aggregate classification.

Joint Genome Diagnostic Labs from Nijmegen and Maastricht, Radboudumc and MUMC+
Classification: Likely benign. Review status: no assertion criteria provided. Collection method: clinical testing. Allele origin: germline. Affected: yes. Study: VKGL Data-share Consensus. Not counted in ClinVar's aggregate classification.

NM_152594.3(SPRED1):c.685-8T>C

Gene: SPRED1 (sprouty related EVH1 domain containing 1; plus strand). Cytogenetic location: 15q14.
Variant type: single nucleotide variant.
Coding change: c.685-8T>C on transcript NM_152594.3 (MANE Select); 8 bases into the intron before coding-DNA position 685, T replaced by C.
Molecular consequence: intron variant.
Genome position (GRCh38, 1-based): chr15:38,351,006, T>C. VCF-style: chr15-38351006-T-C. GRCh37 (hg19) VCF-style: chr15-38643207-T-C.
Identifiers: ClinVar variation 241990 (VCV000241990.51), dbSNP rs760690837, ClinGen allele CA7470181.